The following is an entry in ClinVar:

ClinVar aggregate classification (germline): Benign/Likely benign. Review status: criteria provided, multiple submitters, no conflicts (2 of 4 stars). 2 submissions from 2 submitters: Benign (1); Likely benign (1). Last evaluated 2024-04-10.

Conditions:
Hereditary cancer-predisposing syndrome. Also called: Neoplastic Syndromes, Hereditary; Tumor predisposition; Hereditary Cancer Syndrome; Hereditary neoplastic syndrome. Identifiers: Orphanet 140162, MedGen C0027672, MeSH D009386, MONDO:0015356.
Familial adenomatous polyposis 1 (FAP1). Also called: FAMILIAL ADENOMATOUS POLYPOSIS 1, ATTENUATED; POLYPOSIS, ADENOMATOUS INTESTINAL. Identifiers: MedGen C2713442, MONDO:0021056, OMIM 175100. Disease mechanism: loss of function.

Allele frequency attached by ClinVar (database versions not stated): gnomAD exomes 0.00001; ExAC 0.00002.
gnomAD v4.1: 4 of 1,613,836 alleles (0.00025%); highest among the groups gnomAD compares: South Asian, 0.0044%; no homozygotes.

Submissions (2):

Myriad Genetics, Inc.
Classification: Benign for Familial adenomatous polyposis 1. Last evaluated: 2024-04-10. Review status: criteria provided, single submitter. Criteria: Myriad Autosomal Dominant, Autosomal Recessive and X-Linked Classification Criteria (2023). Collection method: clinical testing. Allele origin: unknown.
Comment: This variant is considered benign. This variant is a silent/synonymous amino acid change and it is not expected to impact splicing.

Ambry Genetics
Classification: Likely benign for Hereditary cancer-predisposing syndrome. Last evaluated: 2019-06-03. Review status: criteria provided, single submitter. Criteria: Ambry Variant Classification Scheme 2023. Collection method: clinical testing. Allele origin: germline.

NM_000038.6(APC):c.7561A>C (p.Arg2521=)

Gene: APC (APC regulator of Wnt signaling pathway; plus strand). Cytogenetic location: 5q22.2.
Variant type: single nucleotide variant.
Coding change: c.7561A>C on transcript NM_000038.6 (MANE Select); coding-DNA position 7561, A replaced by C.
Protein change: p.Arg2521=; no amino-acid change (arginine 2521 retained).
Molecular consequence: synonymous variant. On other transcripts: non-coding transcript variant (2).
Genome position (GRCh38, 1-based): chr5:112,843,155, A>C. VCF-style: chr5-112843155-A-C. GRCh37 (hg19) VCF-style: chr5-112178852-A-C.
Other names: c.7561A>C, p.Arg2521= (NM_001127510.3, NM_001354895.2, NM_001407450.1); c.7507A>C, p.Arg2503= (NM_001127511.3); c.7615A>C, p.Arg2539= (NM_001354896.2, NM_001407447.1, NM_001407448.1 and 1 more transcripts); c.7591A>C, p.Arg2531= (NM_001354897.2); c.7486A>C, p.Arg2496= (NM_001354898.2); c.7477A>C, p.Arg2493= (NM_001354899.2); c.7438A>C, p.Arg2480= (NM_001354900.2); c.7384A>C, p.Arg2462= (NM_001354901.2, NM_001407453.1); and 11 more.
Identifiers: ClinVar variation 1759528 (VCV001759528.3), dbSNP rs769834352, ClinGen allele CA048437.